The following is an entry in ClinVar:

ClinVar aggregate classification (germline): Pathogenic/Likely pathogenic. Review status: criteria provided, multiple submitters, no conflicts (2 of 4 stars). 4 submissions from 4 submitters: Pathogenic (2); Likely pathogenic (1). 1 of the submissions does not count toward it. Last evaluated 2023-01-17.

Conditions:
Hereditary cancer-predisposing syndrome. Also called: Hereditary Cancer Syndrome; Hereditary neoplastic syndrome; Neoplastic Syndromes, Hereditary; Tumor predisposition. Identifiers: Orphanet 140162, MedGen C0027672, MeSH D009386, MONDO:0015356.
Breast-ovarian cancer, familial, susceptibility to, 1 (BROVCA1). Also called: BRCA1 Hereditary Breast and Ovarian Cancer; OVARIAN CANCER, SUSCEPTIBILITY TO. Identifiers: Orphanet 145, MedGen C2676676, MONDO:0011450, OMIM 604370. Disease mechanism: loss of function.

Submissions (5):

Ambry Genetics
Classification: Pathogenic for Hereditary cancer-predisposing syndrome. Last evaluated: 2023-01-17. Review status: criteria provided, single submitter. Criteria: Ambry Variant Classification Scheme 2023. Collection method: clinical testing. Allele origin: germline.
Comment: The c.5333-2A>T intronic pathogenic mutation results from an A to T substitution two nucleotides upstream from coding exon 20 in the BRCA1 gene. This alteration has been reported in several Korean breast cancer cohorts (Kim H et al. Breast Cancer Res Treat, 2012 Aug;134:1315-26; Kim DH et al. BMC Med Genet, 2017 Mar;18:38) and in 1 of 999 Korean triple negative breast cancer patients undergoing BRCA1/2 genetic testing (Ryu JM et al. Breast Cancer Res Treat, 2019 Jan;173:385-395). This variant was also reported in 1/60,466 breast cancer cases and in 2/53,461 controls (Dorling et al. N Engl J Med. 2021 02;384:428-439). One functional study found that this nucleotide substitution is non-functional in a high-throughput, genome editing, haploid cell survival assay (Findlay GM et al. Nature, 2018 Oct;562:217-222). This variant is considered to be rare based on population cohorts in the Genome Aggregation Database (gnomAD). This nucleotide position is highly conserved in available vertebrate species. In silico splice site analysis predicts that this alteration will weaken the native splice acceptor site; however, direct evidence is insufficient at this time (Ambry internal data). In addition to the data presented in the literature, alterations that disrupt the canonical splice site are expected to cause aberrant splicing, resulting in an abnormal protein or a transcript that is subject to nonsense-mediated mRNA decay. As such, this alteration is classified as a disease-causing mutation.

Baylor Genetics
Classification: Pathogenic for Breast-ovarian cancer, familial, susceptibility to, 1. Last evaluated: 2021-12-22. Review status: criteria provided, single submitter. Criteria: ACMG Guidelines, 2015. Collection method: clinical testing. Allele origin: unknown.

Color Diagnostics, LLC DBA Color Health
Classification: Likely pathogenic for Hereditary cancer-predisposing syndrome. Last evaluated: 2019-12-14. Review status: criteria provided, single submitter. Criteria: ACMG Guidelines, 2015. Collection method: clinical testing. Allele origin: germline.
Comment: This variant causes an A>T nucleotide substitution at the -2 position of intron 20 of the BRCA1 gene. Splice site prediction tools predict that this variant may have a significant impact on RNA splicing. A functional study reported this variant as defective in a haploid cell proliferation assay (PMID: 30209399). This variant has been observed in at least one individual with triple-negative breast cancer (PMID: 30350268) and additional individuals considered at-risk for breast and/or ovarian cancer (PMID: 22798144, 29673794). This variant has not been identified in the general population by the Genome Aggregation Database (gnomAD). Loss of BRCA1 function is a known mechanism of disease. Based on the available evidence, this variant is classified as Likely Pathogenic.

Sharing Clinical Reports Project (SCRP)
Classification: Likely pathogenic for Breast-ovarian cancer, familial 1. Last evaluated: 2010-11-30. Review status: no assertion criteria provided. Collection method: clinical testing. Allele origin: germline. Not counted in ClinVar's aggregate classification.

Brotman Baty Institute, University of Washington
No classification provided (evidence only). Condition: Breast-ovarian cancer, familial 1. Review status: no classification provided. Collection method: in vitro. Allele origin: not applicable. Functional consequence: functionally_abnormal. Not counted in ClinVar's aggregate classification.
ClinVar note: "not provided" was previously submitted as the classification for the variant. However, the classification appeared to be based only on an observation of functional data so it was converted to no classification on 2025-07-30.

Literature cited by the submitters: PubMed 22798144 (cited by Ambry Genetics); PubMed 28351343 (cited by Ambry Genetics); PubMed 30209399 (cited by Ambry Genetics); PubMed 30350268 (cited by Ambry Genetics); PubMed 33471991 (cited by Ambry Genetics).

NM_007294.4(BRCA1):c.5333-2A>T

Gene: BRCA1 (BRCA1 DNA repair associated; minus strand). Cytogenetic location: 17q21.31.
Variant type: single nucleotide variant.
Coding change: c.5333-2A>T on transcript NM_007294.4 (MANE Select); the canonical splice acceptor site of the intron before coding-DNA position 5333, A replaced by T.
Molecular consequence: splice acceptor variant. On other transcripts: intron variant (19).
Genome position (GRCh38, 1-based): chr17:43,049,196, T>A on the plus strand (A>T on the coding strand, the complement: BRCA1 is on the minus strand). VCF-style: chr17-43049196-T-A. GRCh37 (hg19) VCF-style: chr17-41201213-T-A.
Other names: IVS21-2A>T; c.5066-2A>T (NM_001407929.1, NM_001407933.1, NM_001407927.1 and 4 more transcripts); c.5069-2A>T (NM_001407924.1, NM_001407920.1, NM_001407923.1 and 4 more transcripts); c.1880-2A>T (NM_001408460.1, NM_001408465.1, NM_001408463.1 and 7 more transcripts); c.1883-2A>T (NM_001408454.1, NM_001408456.1, NM_001408457.1 and 3 more transcripts); c.5186-2A>T (NM_001407852.1, NM_001407853.1, NM_001407847.1 and 12 more transcripts); c.5189-2A>T (NM_001407750.1, NM_001407732.1, NM_001407751.1 and 18 more transcripts); c.5192-2A>T (NM_001407698.1, NM_001407694.1, NM_001407696.1 and 12 more transcripts); and 85 more.
Identifiers: ClinVar variation 55536 (VCV000055536.13), dbSNP rs397509264, ClinGen allele CA003498.
Genomic context (GRCh38, chr17:43,049,196, plus strand): 5'-TGATGAAAGCTCCTTCACCACAGAAGCACCACACAGCTGTACCATCCATTCCAGTTGATC[T>A]AAAATGGACATTTAGATGTAAAATCACTGCAGTAATCTGCATACTTAACCCAGGCCCTCT-3'